The following is an entry in ClinVar:

ClinVar aggregate classification (germline): Uncertain significance (1 of 4 stars; one submission).

gnomAD v4.1: 10 of 1,613,974 alleles (0.00062%); highest among the groups gnomAD compares: African/African-American, 0.011%; no homozygotes.

Submission:

Labcorp Genetics (formerly Invitae), Labcorp
Classification: Uncertain significance. Last evaluated: 2025-09-11. Review status: criteria provided, single submitter. Criteria: Invitae Variant Classification Sherloc (09022015). Collection method: clinical testing. Allele origin: germline.
Comment: This sequence change replaces arginine, which is basic and polar, with glycine, which is neutral and non-polar, at codon 3955 of the ANK3 protein (p.Arg3955Gly). This variant is present in population databases (rs768391934, gnomAD 0.02%). This variant has not been reported in the literature in individuals affected with ANK3-related conditions. Invitae Evidence Modeling of protein sequence and biophysical properties (such as structural, functional, and spatial information, amino acid conservation, physicochemical variation, residue mobility, and thermodynamic stability) indicates that this missense variant is not expected to disrupt ANK3 protein function with a negative predictive value of 80%. In summary, the available evidence is currently insufficient to determine the role of this variant in disease. Therefore, it has been classified as a Variant of Uncertain Significance.

NM_020987.5(ANK3):c.11863A>G (p.Arg3955Gly)

Gene: ANK3 (ankyrin 3; minus strand). Cytogenetic location: 10q21.2.
Variant type: single nucleotide variant.
Coding change: c.11863A>G on transcript NM_020987.5 (MANE Select); coding-DNA position 11863, A replaced by G.
Protein change: p.Arg3955Gly; replaces arginine 3955 with glycine.
Molecular consequence: missense variant. On other transcripts: intron variant (4).
Genome position (GRCh38, 1-based): chr10:60,069,018, T>C on the plus strand (A>G on the coding strand, the complement: ANK3 is on the minus strand). VCF-style: chr10-60069018-T-C. GRCh37 (hg19) VCF-style: chr10-61828776-T-C.
Other names: c.4388-1009A>G (NM_001204403.2); c.4409-1009A>G (NM_001204404.2); c.4406-1009A>G (NM_001320874.2); c.1808-1009A>G (NM_001149.4); short protein forms R3955G.
Identifiers: ClinVar variation 4709226 (VCV004709226.1).